The following is an entry in ClinVar:

ClinVar aggregate classification (germline): Uncertain significance (1 of 4 stars; one submission).

Conditions:
Hereditary cancer-predisposing syndrome. Also called: Neoplastic Syndromes, Hereditary; Tumor predisposition; Hereditary Cancer Syndrome; Hereditary neoplastic syndrome. Identifiers: Orphanet 140162, MedGen C0027672, MeSH D009386, MONDO:0015356.

Submission:

Ambry Genetics
Classification: Uncertain significance for Hereditary cancer-predisposing syndrome. Last evaluated: 2022-01-13. Review status: criteria provided, single submitter. Criteria: Ambry Variant Classification Scheme 2023. Collection method: clinical testing. Allele origin: germline.
Comment: The c.1761+5G>T intronic variant results from a G to T substitution 5 nucleotides after coding exon 9 in the SMARCA4 gene. This nucleotide position is highly conserved in available vertebrate species. In silico splice site analysis predicts that this alteration will not have any significant effect on splicing. Since supporting evidence is limited at this time, the clinical significance of this alteration remains unclear.

NM_003072.5(SMARCA4):c.1761+5G>T

Gene: SMARCA4 (SWI/SNF related BAF chromatin remodeling complex subunit ATPase 4; plus strand). Cytogenetic location: 19p13.2.
Variant type: single nucleotide variant.
Coding change: c.1761+5G>T on transcript NM_003072.5 (MANE Select); 5 bases into the intron after coding-DNA position 1761, G replaced by T.
Molecular consequence: intron variant.
Genome position (GRCh38, 1-based): chr19:10,996,385, G>T. VCF-style: chr19-10996385-G-T. GRCh37 (hg19) VCF-style: chr19-11107061-G-T.
Other names: c.1761+5G>T (NM_001128844.3, NM_001128849.3, NM_001128847.4 and 5 more transcripts).
Identifiers: ClinVar variation 1779582 (VCV001779582.2), dbSNP rs1555763822, ClinGen allele CA2580096244.